The following is an entry in ClinVar:

NM_001673.5(ASNS):c.65del (p.Met22fs)

Genes: ASNS (asparagine synthetase (glutamine-hydrolyzing); minus strand), CZ1P-ASNS (CZ1P-ASNS readthrough; minus strand). Cytogenetic location: 7q21.3.
Variant type: Deletion.
Coding change: c.65del on transcript NM_001673.5 (MANE Select); coding-DNA position 65, one base deleted (T; older notation c.65delT).
Protein change: p.Met22fs; shifts the reading frame from methionine 22.
Molecular consequence: frameshift variant. On other transcripts: non-coding transcript variant (1), initiator codon variant (1), intron variant (2).
Genome position (GRCh38, 1-based): chr7:97,869,092, A deleted on the plus strand (T on the coding strand, the reverse complement: ASNS is on the minus strand). VCF-style (leftmost placement, unchanged base first): chr7-97869091-CA-C. GRCh37 (hg19) VCF-style: chr7-97498403-CA-C.
Other names: c.2del, p.Met1fs (NM_001178075.2); c.65del, p.Met22fs (NM_001352496.2, NM_133436.3, NM_183356.4); c.-1+3259del (NM_001178076.2); c.-1+2949del (NM_001178077.1); short protein forms M1fs, M22fs.
Identifiers: ClinVar variation 2020483 (VCV002020483.5), dbSNP rs2484698495, ClinGen allele CA2580077968.

ClinVar aggregate classification (germline): Pathogenic (1 of 4 stars; one submission).

Submission:

Labcorp Genetics (formerly Invitae), Labcorp
Classification: Pathogenic. Last evaluated: 2022-07-30. Review status: criteria provided, single submitter. Criteria: Invitae Variant Classification Sherloc (09022015). Collection method: clinical testing. Allele origin: germline.
Comment: This sequence change creates a premature translational stop signal (p.Met22Argfs*31) in the ASNS gene. It is expected to result in an absent or disrupted protein product. Loss-of-function variants in ASNS are known to be pathogenic (PMID: 27422383, 30057589). This variant is not present in population databases (gnomAD no frequency). This variant has not been reported in the literature in individuals affected with ASNS-related conditions. For these reasons, this variant has been classified as Pathogenic.

Literature cited by the submitters: PubMed 27422383; PubMed 30057589.